The following is an entry in ClinVar:

ClinVar aggregate classification (germline): Likely benign (1 of 4 stars; one submission).

Allele frequency attached by ClinVar (database versions not stated): TOPMed 0.00030; 1000 Genomes Project 30x 0.00031.
gnomAD v4.1: 466 of 985,226 alleles (0.047%); highest among the groups gnomAD compares: Non-Finnish European, 0.053%; no homozygotes.

Submission:

CeGaT Center for Human Genetics Tuebingen
Classification: Likely benign. Last evaluated: 2022-07-01. Review status: criteria provided, single submitter. Criteria: CeGaT Center For Human Genetics Tuebingen Variant Classification Criteria Version 2. Collection method: clinical testing. Allele origin: germline. Affected: yes. Observed: 1 variant allele.
Comment: CCDC187: BP4, BP7

NM_001378188.1(CCDC187):c.5389G>A (p.Val1797Met)

Genes: CCDC187 (coiled-coil domain containing 187; minus strand), LOC108254693 (9q34.3 QSOX2 distal recombination region; plus strand). Cytogenetic location: 9q34.3.
Variant type: single nucleotide variant.
Coding change: c.5389G>A on transcript NM_001378188.1 (MANE Select); coding-DNA position 5389, G replaced by A.
Protein change: p.Val1797Met; replaces valine 1797 with methionine.
Molecular consequence: missense variant.
Genome position (GRCh38, 1-based): chr9:136,254,439, C>T on the plus strand (G>A on the coding strand, the complement: CCDC187 is on the minus strand). VCF-style: chr9-136254439-C-T. GRCh37 (hg19) VCF-style: chr9-139146285-C-T.
Other names: short protein forms V1797M.
Identifiers: ClinVar variation 2659729 (VCV002659729.24), dbSNP rs566987451, ClinGen allele CA201515827.
Genomic context (GRCh38, chr9:136,254,439, plus strand): 5'-TCCCAGAAGCTTCCCGCCCCTCCCCGGACCGTGGGGAGGGAGGAGCCACCTGGGGCTCCA[C>T]GCCGCTTCCAAGGCCCAGTGAGCCACCTGCAGGCAGGGAGCTCCCCGAGGCTGGCTTGGC-3'
Protein context (NP_001365117.1, residues 1787-1807): AGGSLGLGSG[Val1797Met]EPQVAPPSPR